The following is an entry in ClinVar:

NM_000091.5(COL4A3):c.4665G>A (p.Ala1555=)

Genes: COL4A3 (collagen type IV alpha 3 chain; plus strand), MFF-DT (MFF divergent transcript; minus strand). Cytogenetic location: 2q36.3.
Variant type: single nucleotide variant.
Coding change: c.4665G>A on transcript NM_000091.5 (MANE Select); coding-DNA position 4665, G replaced by A.
Protein change: p.Ala1555=; no amino-acid change (alanine 1555 retained).
Molecular consequence: synonymous variant.
Genome position (GRCh38, 1-based): chr2:227,309,228, G>A. VCF-style: chr2-227309228-G-A. GRCh37 (hg19) VCF-style: chr2-228173944-G-A.
Other names: p.Ala1555=.
Identifiers: ClinVar variation 254999 (VCV000254999.59), dbSNP rs200858199, ClinGen allele CA2147605.

ClinVar aggregate classification (germline): Benign/Likely benign. Review status: criteria provided, multiple submitters, no conflicts (2 of 4 stars). 13 submissions from 13 submitters: Benign (4); Likely benign (6). 3 of the submissions do not count toward it. Last evaluated 2026-06-01.

Conditions:
Alport syndrome. Also called: Hemorrhagic familial nephritis; Hemorrhagic hereditary nephritis; Congenital hereditary hematuria. Identifiers: Orphanet 63, MedGen C1567741, MONDO:0018965.

Allele frequency attached by ClinVar (database versions not stated): 1000 Genomes Project 0.00160; 1000 Genomes Project 30x 0.00203; gnomAD 0.00210; ESP Exome Variant Server 0.00225; TOPMed 0.00296.
gnomAD v4.1: 5,054 of 1,614,162 alleles (0.31%); highest among the groups gnomAD compares: Admixed American, 0.4%; 11 homozygotes.

Submissions (13):

CeGaT Center for Human Genetics Tuebingen
Classification: Likely benign. Last evaluated: 2026-06-01. Review status: criteria provided, single submitter. Criteria: CeGaT Center For Human Genetics Tuebingen Variant Classification Criteria Version 2. Collection method: clinical testing. Allele origin: germline. Affected: yes. Observed: 8 variant alleles.
Comment: COL4A3: BP4, BP7

Labcorp Genetics (formerly Invitae), Labcorp
Classification: Benign. Last evaluated: 2026-01-28. Review status: criteria provided, single submitter. Criteria: Invitae Variant Classification Sherloc (09022015). Collection method: clinical testing. Allele origin: germline.

Mayo Clinic Laboratories, Mayo Clinic
Classification: Likely benign. Last evaluated: 2025-01-21. Review status: criteria provided, single submitter. Criteria: ACMG Guidelines, 2015. Collection method: clinical testing. Allele origin: germline. Observed: 2 variant alleles.
Comment: BS1, BP4, BP7

ARUP Laboratories, Molecular Genetics and Genomics, ARUP Laboratories
Classification: Likely benign. Last evaluated: 2025-01-15. Review status: criteria provided, single submitter. Criteria: ARUP Molecular Germline Variant Investigation Process 2024. Collection method: clinical testing. Allele origin: germline.

Blueprint Genetics
Classification: Likely benign. Last evaluated: 2024-11-22. Review status: criteria provided, single submitter. Criteria: ACMG Guidelines, 2015. Collection method: clinical testing. Allele origin: germline.

GeneDx
Classification: Benign. Last evaluated: 2019-06-18. Review status: criteria provided, single submitter. Criteria: GeneDx Variant Classification Process June 2021. Collection method: clinical testing. Allele origin: germline. Affected: yes.

Athena Diagnostics
Classification: Benign. Last evaluated: 2018-08-22. Review status: criteria provided, single submitter. Criteria: Athena Diagnostics Criteria. Collection method: clinical testing. Allele origin: germline.

Illumina Laboratory Services, Illumina
Classification: Benign for Alport syndrome. Last evaluated: 2017-04-27. Review status: criteria provided, single submitter. Criteria: ICSL Variant Classification Criteria 13 December 2019. Collection method: clinical testing. Allele origin: germline.
Comment: This variant was observed as part of a predisposition screen in an ostensibly healthy population. A literature search was performed for the gene, cDNA change, and amino acid change (where applicable). No publications were found based on this search. Allele frequency data from public databases was too high to be consistent with this variant causing disease. Therefore, this variant is classified as benign.

Breakthrough Genomics
Classification: Likely benign. Review status: criteria provided, single submitter. Criteria: ACMG Guidelines, 2015. Collection method: not provided. Allele origin: germline. Inheritance: Autosomal recessive inheritance. Affected: yes.

PreventionGenetics, part of Exact Sciences
Classification: Likely benign. Review status: criteria provided, single submitter. Criteria: ACMG Guidelines, 2015. Collection method: clinical testing. Allele origin: germline.

Natera, Inc.
Classification: Likely benign for Alport syndrome. Last evaluated: 2021-02-24. Review status: no assertion criteria provided. Collection method: clinical testing. Allele origin: germline. Not counted in ClinVar's aggregate classification.

Clinical Genetics DNA and cytogenetics Diagnostics Lab, Erasmus MC, Erasmus Medical Center
Classification: Likely benign. Review status: no assertion criteria provided. Collection method: clinical testing. Allele origin: germline. Affected: yes. Study: VKGL Data-share Consensus. Not counted in ClinVar's aggregate classification.

Joint Genome Diagnostic Labs from Nijmegen and Maastricht, Radboudumc and MUMC+
Classification: Likely benign. Review status: no assertion criteria provided. Collection method: clinical testing. Allele origin: germline. Affected: yes. Study: VKGL Data-share Consensus. Not counted in ClinVar's aggregate classification.

Literature cited by the submitters: PubMed 25514610 (cited by Athena Diagnostics).